The following is an entry in ClinVar:

ClinVar aggregate classification (germline): Uncertain significance (1 of 4 stars; one submission).

Conditions:
Cone-rod dystrophy 6 (CORD6). Also called: RETINAL CONE DYSTROPHY 2; Cone dystrophy progressive. Identifiers: Orphanet 1872, MedGen C1866293, MONDO:0011143, OMIM 601777.
Leber congenital amaurosis 1 (LCA1). Also called: Congenital absence of the rods and cones; Leber's congenital tapetoretinal degeneration; Leber's congenital tapetoretinal dysplasia; RETINAL BLINDNESS, CONGENITAL; AMAUROSIS CONGENITA OF LEBER I. Identifiers: Orphanet 65, MedGen C2931258, MONDO:0008764, OMIM 204000.

Submission:

Labcorp Genetics (formerly Invitae), Labcorp
Classification: Uncertain significance for Leber congenital amaurosis 1; Cone-rod dystrophy 6. Last evaluated: 2022-10-24. Review status: criteria provided, single submitter. Criteria: Invitae Variant Classification Sherloc (09022015). Collection method: clinical testing. Allele origin: germline.
Comment: In summary, the available evidence is currently insufficient to determine the role of this variant in disease. Therefore, it has been classified as a Variant of Uncertain Significance. Advanced modeling of protein sequence and biophysical properties (such as structural, functional, and spatial information, amino acid conservation, physicochemical variation, residue mobility, and thermodynamic stability) performed at Invitae indicates that this missense variant is not expected to disrupt GUCY2D protein function. This variant has not been reported in the literature in individuals affected with GUCY2D-related conditions. This variant is not present in population databases (gnomAD no frequency). This sequence change replaces alanine, which is neutral and non-polar, with threonine, which is neutral and polar, at codon 776 of the GUCY2D protein (p.Ala776Thr).

NM_000180.4(GUCY2D):c.2326G>A (p.Ala776Thr)

Gene: GUCY2D (guanylate cyclase 2D, retinal; plus strand). Cytogenetic location: 17p13.1.
Variant type: single nucleotide variant.
Coding change: c.2326G>A on transcript NM_000180.4 (MANE Select); coding-DNA position 2326, G replaced by A.
Protein change: p.Ala776Thr; replaces alanine 776 with threonine.
Molecular consequence: missense variant.
Genome position (GRCh38, 1-based): chr17:8,013,942, G>A. VCF-style: chr17-8013942-G-A. GRCh37 (hg19) VCF-style: chr17-7917260-G-A.
Other names: short protein forms A776T.
Identifiers: ClinVar variation 1998446 (VCV001998446.4), dbSNP rs2545425379, ClinGen allele CA397953179.
Genomic context (GRCh38, chr17:8,013,942, plus strand): 5'-GTGGTGCAGAGGGTGCGGAGCCCCCCTCCACTGTGTCGGCCCTTGGTGTCCATGGACCAG[G>A]CACCTGTCGAGTGTATCCTCCTGATGAAGCAGTGCTGGGCAGAGCAGCCGGAACTTCGGC-3'
Protein context (NP_000171.1, residues 766-786): LCRPLVSMDQ[Ala776Thr]PVECILLMKQ